The following is an entry in ClinVar:

NM_025137.4(SPG11):c.3871A>G (p.Ser1291Gly)

Gene: SPG11 (SPG11 vesicle trafficking associated, spatacsin; minus strand). Cytogenetic location: 15q21.1.
Variant type: single nucleotide variant.
Coding change: c.3871A>G on transcript NM_025137.4 (MANE Select); coding-DNA position 3871, A replaced by G.
Protein change: p.Ser1291Gly; replaces serine 1291 with glycine.
Molecular consequence: missense variant.
Genome position (GRCh38, 1-based): chr15:44,598,652, T>C on the plus strand (A>G on the coding strand, the complement: SPG11 is on the minus strand). VCF-style: chr15-44598652-T-C. GRCh37 (hg19) VCF-style: chr15-44890850-T-C.
Other names: c.3871A>G, p.Ser1291Gly (NM_001160227.2, NM_001411132.1); short protein forms S1291G.
Identifiers: ClinVar variation 4775224 (VCV004775224.1).

ClinVar aggregate classification (germline): Uncertain significance (1 of 4 stars; one submission).

Conditions:
Hereditary spastic paraplegia 11. Also called: Spastic paraplegia, mental retardation and thin corpus callosum; Nakamura Osame syndrome; Autosomal recessive hereditary spastic paraplegia, mental impairment, and thin corpus callosum; SPASTIC PARAPLEGIA, AUTOSOMAL RECESSIVE, COMPLICATED, WITH THIN CORPUS CALLOSUM; SPASTIC PARAPLEGIA, AUTOSOMAL RECESSIVE, WITH MENTAL IMPAIRMENT AND THIN CORPUS CALLOSUM; Spastic Paraplegia 11. Identifiers: Orphanet 2822, MedGen C1858479, MONDO:0011445, OMIM 604360.

gnomAD v4.1: 6 of 1,614,210 alleles (0.00037%); highest among the groups gnomAD compares: East Asian, 0.0022%; no homozygotes.

Submission:

Labcorp Genetics (formerly Invitae), Labcorp
Classification: Uncertain significance for Hereditary spastic paraplegia 11. Last evaluated: 2025-11-02. Review status: criteria provided, single submitter. Criteria: Invitae Variant Classification Sherloc (09022015). Collection method: clinical testing. Allele origin: germline.
Comment: This sequence change replaces serine, which is neutral and polar, with glycine, which is neutral and non-polar, at codon 1291 of the SPG11 protein (p.Ser1291Gly). This variant is present in population databases (no rsID available, gnomAD 0.006%). This variant has not been reported in the literature in individuals affected with SPG11-related conditions. Invitae Evidence Modeling of protein sequence and biophysical properties (such as structural, functional, and spatial information, amino acid conservation, physicochemical variation, residue mobility, and thermodynamic stability) indicates that this missense variant is not expected to disrupt SPG11 protein function with a negative predictive value of 80%. In summary, the available evidence is currently insufficient to determine the role of this variant in disease. Therefore, it has been classified as a Variant of Uncertain Significance.